The following is an entry in ClinVar:

NM_001105206.3(LAMA4):c.1161dup (p.Ala388fs)

Gene: LAMA4 (laminin subunit alpha 4; minus strand). Cytogenetic location: 6q21.
Variant type: Duplication.
Coding change: c.1161dup on transcript NM_001105206.3 (MANE Select); coding-DNA position 1161, one base duplicated (A; older notation c.1161dupA).
Protein change: p.Ala388fs; shifts the reading frame from alanine 388.
Molecular consequence: frameshift variant.
Genome position (GRCh38, 1-based): chr6:112,178,149, T duplicated on the plus strand (A on the coding strand, the reverse complement: LAMA4 is on the minus strand); the first of 2 consecutive T bases (chr6:112,178,149-112,178,150); duplicating either gives the same sequence. VCF-style (leftmost placement, unchanged base first): chr6-112178148-C-CT. GRCh37 (hg19) VCF-style: chr6-112499350-C-CT.
Other names: c.1140dupA (NM_002290.3); c.1140dup, p.Ala381fs (NM_001105207.3, NM_002290.5); short protein forms A381fs, A388fs.
Identifiers: ClinVar variation 4614449 (VCV004614449.1).

ClinVar aggregate classification (germline): Uncertain significance (1 of 4 stars; one submission).

Conditions:
Cardiovascular phenotype. Identifiers: MedGen CN230736.

Submission:

Ambry Genetics
Classification: Uncertain significance for Cardiovascular phenotype. Last evaluated: 2025-11-12. Review status: criteria provided, single submitter. Criteria: Ambry Variant Classification Scheme 2023. Collection method: clinical testing. Allele origin: germline.
Comment: The c.1140dupA variant, located in coding exon 9 of the LAMA4 gene, results from a duplication of A at nucleotide position 1140, causing a translational frameshift with a predicted alternate stop codon (p.A381Sfs*3). The evidence for this gene-disease relationship is limited; therefore, the clinical significance of this alteration is unclear.